The following is an entry in ClinVar:

ClinVar aggregate classification (germline): Likely benign (1 of 4 stars; one submission).

gnomAD v4.1: 125 of 1,614,104 alleles (0.0077%); highest among the groups gnomAD compares: Non-Finnish European, 0.0092%; no homozygotes.

Submission:

CeGaT Center for Human Genetics Tuebingen
Classification: Likely benign. Last evaluated: 2026-01-01. Review status: criteria provided, single submitter. Criteria: CeGaT Center For Human Genetics Tuebingen Variant Classification Criteria Version 2. Collection method: clinical testing. Allele origin: germline. Affected: yes. Observed: 1 variant allele.
Comment: TRIO: BP4, BP7

NM_007118.4(TRIO):c.1617T>C (p.Asp539=)

Gene: TRIO (trio Rho guanine nucleotide exchange factor; plus strand). Cytogenetic location: 5p15.2.
Variant type: single nucleotide variant.
Coding change: c.1617T>C on transcript NM_007118.4 (MANE Select); coding-DNA position 1617, T replaced by C.
Protein change: p.Asp539=; no amino-acid change (aspartic acid 539 retained).
Molecular consequence: synonymous variant. On other transcripts: non-coding transcript variant (1).
Genome position (GRCh38, 1-based): chr5:14,316,629, T>C. VCF-style: chr5-14316629-T-C. GRCh37 (hg19) VCF-style: chr5-14316738-T-C.
Identifiers: ClinVar variation 4822219 (VCV004822219.4).